The following is an entry in ClinVar:

ClinVar aggregate classification (germline): Uncertain significance. Review status: criteria provided, single submitter (1 of 4 stars). 2 submissions from 2 submitters: Uncertain significance (1). 1 of the submissions does not count toward it. Last evaluated 2025-02-14.

Conditions:
Inborn genetic diseases. Identifiers: MedGen C0950123, MeSH D030342.

Allele frequency attached by ClinVar (database versions not stated): gnomAD exomes below 0.00001 and 0.00001.
gnomAD v4.1: 7 of 1,614,020 alleles (0.00043%); highest among the groups gnomAD compares: Non-Finnish European, 0.00059%; no homozygotes.

Submissions (2):

Ambry Genetics
Classification: Uncertain significance for Inborn genetic diseases. Last evaluated: 2025-02-14. Review status: criteria provided, single submitter. Criteria: Ambry Variant Classification Scheme 2023. Collection method: clinical testing. Allele origin: germline.
Comment: The p.T745A variant (also known as c.2233A>G), located in coding exon 1 of the SAMD9 gene, results from an A to G substitution at nucleotide position 2233. The threonine at codon 745 is replaced by alanine, an amino acid with similar properties. This amino acid position is conserved. In addition, this alteration is predicted to be deleterious by in silico analysis. Based on the available evidence, the clinical significance of this variant remains unclear.

Department of Pathology and Laboratory Medicine, Sinai Health System
Classification: Uncertain significance. Review status: no assertion criteria provided. Collection method: clinical testing. Allele origin: unknown. Affected: yes. Study: The Canadian Open Genetics Repository (COGR). Not counted in ClinVar's aggregate classification.
Comment: The SAMD9 p.Thr745Ala variant was not identified in the literature nor was it identified in dbSNP, ClinVar, Cosmic or LOVD 3.0. The variant was identified in control databases in 1 of 251404 chromosomes at a frequency of 0.000004 (Genome Aggregation Database Feb 27, 2017). The variant was observed in the European (non-Finnish) population in 1 of 113708 chromosomes (freq: 0.000009), but was not observed in the African, Latino, Ashkenazi Jewish, East Asian, European (Finnish), Other or South Asian populations. The p.Thr745 residue is conserved in mammals and computational analyses (PolyPhen-2, SIFT, AlignGVGD, BLOSUM, MutationTaster) provide inconsistent predictions regarding the impact to the protein; this information is not very predictive of pathogenicity. The variant occurs outside of the splicing consensus sequence and in silico or computational prediction software programs (SpliceSiteFinder, MaxEntScan, NNSPLICE, GeneSplicer) do not predict a difference in splicing. In summary, based on the above information the clinical significance of this variant cannot be determined with certainty at this time. This variant is classified as a variant of uncertain significance.

NM_017654.4(SAMD9):c.2233A>G (p.Thr745Ala)

Gene: SAMD9 (sterile alpha motif domain containing 9; minus strand). Cytogenetic location: 7q21.2.
Variant type: single nucleotide variant.
Coding change: c.2233A>G on transcript NM_017654.4 (MANE Select); coding-DNA position 2233, A replaced by G.
Protein change: p.Thr745Ala; replaces threonine 745 with alanine.
Molecular consequence: missense variant.
Genome position (GRCh38, 1-based): chr7:93,103,865, T>C on the plus strand (A>G on the coding strand, the complement: SAMD9 is on the minus strand). VCF-style: chr7-93103865-T-C. GRCh37 (hg19) VCF-style: chr7-92733178-T-C.
Other names: c.2233A>G, p.Thr745Ala (NM_001193307.2); c.2233A>G (NM_017654.3); short protein forms T745A.
Identifiers: ClinVar variation 1050603 (VCV001050603.2), dbSNP rs1562775062, ClinGen allele CA368192016.
Genomic context (GRCh38, chr7:93,103,865, plus strand): 5'-TTTTCAGCACAGCACATCTGAATTTCTTCCTTAGTTCCCAGAGAATGTGCATAGCCAAGG[T>C]AGTTCCCCCACAGCCTGGATGATGATACAGATGAATAATTTTGGTACTTGTTGGTTTAGA-3'
Protein context (NP_060124.2, residues 735-755): LYHHPGCGGT[Thr745Ala]LAMHILWELR